The following is an entry in ClinVar:

NM_001031689.3(PLAA):c.2387A>T (p.Ter796Leu)

Gene: PLAA (phospholipase A2 activating protein; minus strand). Cytogenetic location: 9p21.2.
Variant type: single nucleotide variant.
Coding change: c.2387A>T on transcript NM_001031689.3 (MANE Select); coding-DNA position 2387, A replaced by T.
Protein change: p.Ter796Leu.
Molecular consequence: stop lost.
Genome position (GRCh38, 1-based): chr9:26,905,512, T>A on the plus strand (A>T on the coding strand, the complement: PLAA is on the minus strand). VCF-style: chr9-26905512-T-A. GRCh37 (hg19) VCF-style: chr9-26905510-T-A.
Other names: c.2318A>T, p.Ter773Leu (NM_001321546.2).
Identifiers: ClinVar variation 1952054 (VCV001952054.2), dbSNP rs772007135, ClinGen allele CA5014138.
Genomic context (GRCh38, chr9:26,905,512, plus strand): 5'-GTCAAATGTGAGGAAAAAAACACTAATCAATTAAAAATATCCGTCCCTCTTCCCCACTGC[T>A]ACAGCAAATTTAGGATAAATCTACAGCATTCACTTACTTTAGCTGGTTCTGATACTGAGG-3'

ClinVar aggregate classification (germline): Uncertain significance (1 of 4 stars; one submission).

Allele frequency attached by ClinVar (database versions not stated): gnomAD exomes 0.00001; ExAC 0.00002.
gnomAD v4.1: 7 of 1,601,144 alleles (0.00044%); highest among the groups gnomAD compares: Admixed American, 0.0017%; no homozygotes.

Submission:

Labcorp Genetics (formerly Invitae), Labcorp
Classification: Uncertain significance. Last evaluated: 2022-05-28. Review status: criteria provided, single submitter. Criteria: Invitae Variant Classification Sherloc (09022015). Collection method: clinical testing. Allele origin: germline.
Comment: This sequence change disrupts the translational stop signal of the PLAA mRNA. It is expected to extend the length of the PLAA protein by 11 additional amino acid residues. This variant is present in population databases (rs772007135, gnomAD 0.003%). This variant has not been reported in the literature in individuals affected with PLAA-related conditions. Experimental studies and prediction algorithms are not available or were not evaluated, and the functional significance of this variant is currently unknown. In summary, the available evidence is currently insufficient to determine the role of this variant in disease. Therefore, it has been classified as a Variant of Uncertain Significance.